The following is an entry in ClinVar:

ClinVar aggregate classification (germline): Likely pathogenic (1 of 4 stars; one submission).

Conditions:
Urofacial syndrome 2 (UFS2). Also called: LRIG2-Related Urofacial Syndrome. Identifiers: Orphanet 2704, MedGen C3554520, MONDO:0014049, OMIM 615112.

Submission:

First Genomix Gene Laboratory, Genetic Diagnostics Department
Classification: Likely pathogenic for Urofacial syndrome 2. Last evaluated: 2025-05-12. Review status: criteria provided, single submitter. Criteria: ACMG Guidelines, 2015. Collection method: clinical testing. Allele origin: germline. Inheritance: Autosomal recessive inheritance. Affected: no. Observed: 1 variant allele.

NM_014813.3(LRIG2):c.2777_2795del (p.Glu926fs)

Gene: LRIG2 (leucine rich repeats and immunoglobulin like domains 2; plus strand). Cytogenetic location: 1p13.2.
Variant type: Deletion.
Coding change: c.2777_2795del on transcript NM_014813.3 (MANE Select); coding-DNA positions 2777 to 2795, 19 bases deleted (AGGAGGACGTTCTTGATCA).
Protein change: p.Glu926fs; shifts the reading frame from glutamic acid 926.
Molecular consequence: frameshift variant.
Genome position (GRCh38, 1-based): chr1:113,119,329-113,119,347, AGGAGGACGTTCTTGATCA deleted. VCF-style (leftmost placement, unchanged base first): chr1-113119328-GAGGAGGACGTTCTTGATCA-G. GRCh37 (hg19) VCF-style: chr1-113661950-GAGGAGGACGTTCTTGATCA-G.
Other names: c.2468_2486del, p.Glu823fs (NM_001312686.2); short protein forms E823fs, E926fs.
Identifiers: ClinVar variation 4845891 (VCV004845891.1).